The following is an entry in ClinVar:

NM_015895.5(GMNN):c.578C>T (p.Thr193Met)

Gene: GMNN (geminin DNA replication inhibitor; plus strand). Cytogenetic location: 6p22.3.
Variant type: single nucleotide variant.
Coding change: c.578C>T on transcript NM_015895.5 (MANE Select); coding-DNA position 578, C replaced by T.
Protein change: p.Thr193Met; replaces threonine 193 with methionine.
Molecular consequence: missense variant.
Genome position (GRCh38, 1-based): chr6:24,785,747, C>T. VCF-style: chr6-24785747-C-T. GRCh37 (hg19) VCF-style: chr6-24785975-C-T.
Other names: c.578C>T, p.Thr193Met (NM_001251989.2, NM_001251990.2, NM_001251991.1); short protein forms T193M.
Identifiers: ClinVar variation 3614428 (VCV003614428.2).

ClinVar aggregate classification (germline): Uncertain significance (1 of 4 stars; one submission).

Submission:

Labcorp Genetics (formerly Invitae), Labcorp
Classification: Uncertain significance. Last evaluated: 2024-12-05. Review status: criteria provided, single submitter. Criteria: Invitae Variant Classification Sherloc (09022015). Collection method: clinical testing. Allele origin: germline.
Comment: This sequence change replaces threonine, which is neutral and polar, with methionine, which is neutral and non-polar, at codon 193 of the GMNN protein (p.Thr193Met). The frequency data for this variant in the population databases is considered unreliable, as metrics indicate poor data quality at this position in the gnomAD database. This variant has not been reported in the literature in individuals affected with GMNN-related conditions. An algorithm developed to predict the effect of missense changes on protein structure and function (PolyPhen-2) suggests that this variant is likely to be tolerated. In summary, the available evidence is currently insufficient to determine the role of this variant in disease. Therefore, it has been classified as a Variant of Uncertain Significance.